The following is an entry in ClinVar:

ClinVar aggregate classification (germline): Uncertain significance. Review status: criteria provided, multiple submitters, no conflicts (2 of 4 stars). 2 submissions from 2 submitters: Uncertain significance (2). Last evaluated 2025-10-18.

Conditions:
Inborn genetic diseases. Identifiers: MedGen C0950123, MeSH D030342.
Macrocephaly, dysmorphic facies, and psychomotor retardation (MDFPMR). Identifiers: Orphanet 457359, MedGen C4310766, MONDO:0014863, OMIM 617011.

Allele frequency attached by ClinVar (database versions not stated): gnomAD exomes below 0.00001.
gnomAD v4.1: 1 of 1,613,924 alleles (0.000062%); highest among the groups gnomAD compares: Non-Finnish European, 0.000085%; no homozygotes.

Submissions (2):

Ambry Genetics
Classification: Uncertain significance for Inborn genetic diseases. Last evaluated: 2025-10-18. Review status: criteria provided, single submitter. Criteria: Ambry Variant Classification Scheme 2023. Collection method: clinical testing. Allele origin: germline.

Victorian Clinical Genetics Services, Murdoch Childrens Research Institute
Classification: Uncertain significance for Macrocephaly, dysmorphic facies, and psychomotor retardation. Last evaluated: 2020-06-11. Review status: criteria provided, single submitter. Criteria: ACMG Guidelines, 2015. Collection method: clinical testing. Allele origin: germline. Inheritance: Autosomal recessive inheritance. Affected: yes.
Comment: Based on the classification scheme VCGS_Germline_v1.1.1, this variant is classified as 3C-VUS. Following criteria are met: 0102 - Loss-of-function is a known mechanism of disease for this gene. (N) 0106 - This gene is known to be associated with autosomal recessive disease. (N) 0200 - Variant is predicted to result in a missense amino acid change from an alanine to a valine (exon 45). (N) 0251 - Variant is heterozygous. (N) 0301 - Variant is absent from gnomAD. (P) 0309 - An alternative amino acid change at the same position has been observed in gnomAD (1 heterozygote, 0 homozygotes). (N) 0503 - Missense variant consistently predicted to be tolerated or not conserved in mammals with a minor amino acid change. (B) 0604 - Variant is not located in an established domain, motif, hotspot or informative constraint region. (N) 0705 - No comparable variants have previous evidence for pathogenicity. (N) 0807 - Variant has not previously been reported in a clinical context. (N) 0905 - No segregation evidence has been identified for this variant. (N) 1007 - No published functional evidence has been identified for this variant. (N) 1208 - Inheritance information for this variant is not currently available. (N) Legend: (P) - Pathogenic, (N) - Neutral, (B) - Benign

NM_003922.4(HERC1):c.9134C>T (p.Ala3045Val)

Gene: HERC1 (HECT and RLD domain containing E3 ubiquitin protein ligase family member 1; minus strand). Cytogenetic location: 15q22.31.
Variant type: single nucleotide variant.
Coding change: c.9134C>T on transcript NM_003922.4 (MANE Select); coding-DNA position 9134, C replaced by T.
Protein change: p.Ala3045Val; replaces alanine 3045 with valine.
Molecular consequence: missense variant.
Genome position (GRCh38, 1-based): chr15:63,661,789, G>A on the plus strand (C>T on the coding strand, the complement: HERC1 is on the minus strand). VCF-style: chr15-63661789-G-A. GRCh37 (hg19) VCF-style: chr15-63953988-G-A.
Other names: short protein forms A3045V.
Identifiers: ClinVar variation 1805622 (VCV001805622.2), dbSNP rs1363465520, ClinGen allele CA392761552.